The following is an entry in ClinVar:

ClinVar aggregate classification (germline): Likely pathogenic (1 of 4 stars; one submission).

Conditions:
Dilated cardiomyopathy 1G (CMD1G). Identifiers: Orphanet 154, MedGen C1858763, MONDO:0011400, OMIM 604145.
Autosomal recessive limb-girdle muscular dystrophy type 2J (LGMDR10). Also called: MUSCULAR DYSTROPHY, LIMB-GIRDLE, AUTOSOMAL RECESSIVE 10; Limb-girdle muscular dystrophy, type 2J. Identifiers: Orphanet 140922, MedGen C1837342, MONDO:0012127, OMIM 608807.

Submission:

Labcorp Genetics (formerly Invitae), Labcorp
Classification: Likely pathogenic for Dilated cardiomyopathy 1G; Autosomal recessive limb-girdle muscular dystrophy type 2J. Last evaluated: 2024-10-18. Review status: criteria provided, single submitter. Criteria: Invitae Variant Classification Sherloc (09022015). Collection method: clinical testing. Allele origin: germline.
Comment: This sequence change creates a premature translational stop signal (p.Tyr14326*) in the TTN gene. While this is not anticipated to result in nonsense mediated decay, it is expected to create a truncated TTN protein. This variant is not present in population databases (gnomAD no frequency). This variant has not been reported in the literature in individuals affected with TTN-related conditions. ClinVar contains an entry for this variant (Variation ID: 2161587). This variant is located in the I band of TTN (PMID: 25589632). Truncating variants in this region have been reported in individuals affected with autosomal recessive centronuclear myopathy (PMID: 23975875, internal data). Truncating variants in this region have also been identified in individuals affected with autosomal dominant dilated cardiomyopathy and/or cardio-related conditions (PMID: 27869827, 32964742, internal data). In summary, the currently available evidence indicates that the variant is pathogenic, but additional data are needed to prove that conclusively. Therefore, this variant has been classified as Likely Pathogenic.

Literature cited by the submitters: PubMed 25589632; PubMed 23975875; PubMed 27869827; PubMed 32964742.

NM_001267550.2(TTN):c.42978C>A (p.Tyr14326Ter)

Gene: TTN (titin; minus strand). Cytogenetic location: 2q31.2.
Variant type: single nucleotide variant.
Coding change: c.42978C>A on transcript NM_001267550.2 (MANE Select); coding-DNA position 42978, C replaced by A.
Protein change: p.Tyr14326Ter; replaces tyrosine 14326 with a stop codon.
Molecular consequence: nonsense.
Genome position (GRCh38, 1-based): chr2:178,633,295, G>T on the plus strand (C>A on the coding strand, the complement: TTN is on the minus strand). VCF-style: chr2-178633295-G-T. GRCh37 (hg19) VCF-style: chr2-179498022-G-T.
Other names: c.38055C>A, p.Tyr12685Ter (NM_001256850.1); c.15783C>A, p.Tyr5261Ter (NM_003319.4); c.35274C>A, p.Tyr11758Ter (NM_133378.4); c.16158C>A, p.Tyr5386Ter (NM_133432.3); c.16359C>A, p.Tyr5453Ter (NM_133437.4); short protein forms Y11758*, Y5453*, Y12685*, Y14326*, Y5261*, Y5386*.
Identifiers: ClinVar variation 2161587 (VCV002161587.4), dbSNP rs369959066, ClinGen allele CA349652991.